The following is an entry in ClinVar:

NM_001375834.1(WIPF1):c.980G>A (p.Gly327Asp)

Gene: WIPF1 (WAS/WASL interacting protein family member 1; minus strand). Cytogenetic location: 2q31.1.
Variant type: single nucleotide variant.
Coding change: c.980G>A on transcript NM_001375834.1 (MANE Select); coding-DNA position 980, G replaced by A.
Protein change: p.Gly327Asp; replaces glycine 327 with aspartic acid.
Molecular consequence: missense variant.
Genome position (GRCh38, 1-based): chr2:174,571,825, C>T on the plus strand (G>A on the coding strand, the complement: WIPF1 is on the minus strand). VCF-style: chr2-174571825-C-T. GRCh37 (hg19) VCF-style: chr2-175436553-C-T.
Other names: c.980G>A, p.Gly327Asp (NM_001077269.1, NM_001375832.1, NM_001375833.1 and 5 more transcripts); c.602G>A, p.Gly201Asp (NM_001375839.1); short protein forms G201D, G327D.
Identifiers: ClinVar variation 2122655 (VCV002122655.4), dbSNP rs1176504413, ClinGen allele CA349340803.

ClinVar aggregate classification (germline): Uncertain significance (1 of 4 stars; one submission).

Conditions:
Wiskott-Aldrich syndrome 2 (WAS2). Also called: WIPF1 DEFICIENCY. Identifiers: Orphanet 906, MedGen C3281001, MONDO:0013779, OMIM 614493.

Allele frequency attached by ClinVar (database versions not stated): gnomAD exomes below 0.00001.
gnomAD v4.1: 4 of 1,614,174 alleles (0.00025%); highest among the groups gnomAD compares: Non-Finnish European, 0.00025%; no homozygotes.

Submission:

Labcorp Genetics (formerly Invitae), Labcorp
Classification: Uncertain significance for Wiskott-Aldrich syndrome 2. Last evaluated: 2022-04-07. Review status: criteria provided, single submitter. Criteria: Invitae Variant Classification Sherloc (09022015). Collection method: clinical testing. Allele origin: germline.
Comment: Algorithms developed to predict the effect of missense changes on protein structure and function are either unavailable or do not agree on the potential impact of this missense change (SIFT: "Not Available"; PolyPhen-2: "Benign"; Align-GVGD: "Not Available"). In summary, the available evidence is currently insufficient to determine the role of this variant in disease. Therefore, it has been classified as a Variant of Uncertain Significance. This variant has not been reported in the literature in individuals affected with WIPF1-related conditions. This variant is present in population databases (no rsID available, gnomAD 0.0009%). This sequence change replaces glycine, which is neutral and non-polar, with aspartic acid, which is acidic and polar, at codon 327 of the WIPF1 protein (p.Gly327Asp).